The following is an entry in ClinVar:

NM_000039.3(APOA1):c.557A>G (p.His186Arg)

Gene: APOA1 (apolipoprotein A1; minus strand). Cytogenetic location: 11q23.3.
Variant type: single nucleotide variant.
Coding change: c.557A>G on transcript NM_000039.3 (MANE Select); coding-DNA position 557, A replaced by G.
Protein change: p.His186Arg; replaces histidine 186 with arginine.
Molecular consequence: missense variant.
Genome position (GRCh38, 1-based): chr11:116,836,055, T>C on the plus strand (A>G on the coding strand, the complement: APOA1 is on the minus strand). VCF-style: chr11-116836055-T-C. GRCh37 (hg19) VCF-style: chr11-116706771-T-C.
Other names: c.557A>G, p.His186Arg (NM_001318017.2, NM_001318018.2, NM_001425090.1); c.230A>G, p.His77Arg (NM_001318021.2, NM_001425091.1, NM_001425092.1); c.512A>G, p.His171Arg (NM_001425093.1); short protein forms H171R, H186R, H77R.
Identifiers: ClinVar variation 3603479 (VCV003603479.4).

ClinVar aggregate classification (germline): Uncertain significance. Review status: criteria provided, multiple submitters, no conflicts (2 of 4 stars). 2 submissions from 2 submitters: Uncertain significance (2). Last evaluated 2026-04-27.

Conditions:
Cardiovascular phenotype. Identifiers: MedGen CN230736.

Submissions (2):

Ambry Genetics
Classification: Uncertain significance for Cardiovascular phenotype. Last evaluated: 2026-04-27. Review status: criteria provided, single submitter. Criteria: Ambry Variant Classification Scheme 2023. Collection method: clinical testing. Allele origin: germline.
Comment: The p.H186R variant (also known as c.557A>G), located in coding exon 3 of the APOA1 gene, results from an A to G substitution at nucleotide position 557. The histidine at codon 186 is replaced by arginine, an amino acid with highly similar properties. This amino acid position is conserved. In addition, this alteration is predicted to be tolerated by in silico analysis. Based on the available evidence, the clinical significance of this variant remains unclear.

Labcorp Genetics (formerly Invitae), Labcorp
Classification: Uncertain significance. Last evaluated: 2024-10-03. Review status: criteria provided, single submitter. Criteria: Invitae Variant Classification Sherloc (09022015). Collection method: clinical testing. Allele origin: germline.
Comment: This sequence change replaces histidine, which is basic and polar, with arginine, which is basic and polar, at codon 186 of the APOA1 protein (p.His186Arg). This variant is not present in population databases (gnomAD no frequency). This variant has not been reported in the literature in individuals affected with APOA1-related conditions. Invitae Evidence Modeling of protein sequence and biophysical properties (such as structural, functional, and spatial information, amino acid conservation, physicochemical variation, residue mobility, and thermodynamic stability) indicates that this missense variant is not expected to disrupt APOA1 protein function with a negative predictive value of 95%. In summary, the available evidence is currently insufficient to determine the role of this variant in disease. Therefore, it has been classified as a Variant of Uncertain Significance.